The following is an entry in ClinVar:

NM_022552.5(DNMT3A):c.899T>C (p.Leu300Pro)

Gene: DNMT3A (DNA methyltransferase 3 alpha; minus strand). Cytogenetic location: 2p23.3.
Variant type: single nucleotide variant.
Coding change: c.899T>C on transcript NM_022552.5 (MANE Select); coding-DNA position 899, T replaced by C.
Protein change: p.Leu300Pro; replaces leucine 300 with proline.
Molecular consequence: missense variant. On other transcripts: non-coding transcript variant (1).
Genome position (GRCh38, 1-based): chr2:25,247,706, A>G on the plus strand (T>C on the coding strand, the complement: DNMT3A is on the minus strand). VCF-style: chr2-25247706-A-G. GRCh37 (hg19) VCF-style: chr2-25470575-A-G.
Other names: c.443T>C, p.Leu148Pro (NM_001320893.1); c.230T>C, p.Leu77Pro (NM_001375819.1); c.332T>C, p.Leu111Pro (NM_153759.3); c.899T>C, p.Leu300Pro (NM_175629.2); short protein forms L111P, L148P, L300P, L77P.
Identifiers: ClinVar variation 1317984 (VCV001317984.3), dbSNP rs1180980391, ClinGen allele CA346075203.

ClinVar aggregate classification (germline): Uncertain significance. Review status: criteria provided, multiple submitters, no conflicts (2 of 4 stars). 2 submissions from 2 submitters: Uncertain significance (2). Last evaluated 2024-07-04.

Submissions (2):

Blueprint Genetics
Classification: Uncertain significance. Last evaluated: 2024-07-04. Review status: criteria provided, single submitter. Criteria: ACMG Guidelines, 2015. Collection method: clinical testing. Allele origin: germline.

GeneDx
Classification: Uncertain significance. Last evaluated: 2020-10-19. Review status: criteria provided, single submitter. Criteria: GeneDx Variant Classification Process June 2021. Collection method: clinical testing. Allele origin: germline. Affected: yes.
Comment: Not observed in large population cohorts (Lek et al., 2016); In silico analysis supports that this missense variant has a deleterious effect on protein structure/function; Has not been previously published as pathogenic or benign to our knowledge